The following is an entry in ClinVar:

NM_014625.4(NPHS2):c.378+1G>A

Gene: NPHS2 (NPHS2 stomatin family member, podocin; minus strand). Cytogenetic location: 1q25.2.
Variant type: single nucleotide variant.
Coding change: c.378+1G>A on transcript NM_014625.4 (MANE Select); the canonical splice donor site of the intron after coding-DNA position 378, G replaced by A.
Molecular consequence: splice donor variant.
Genome position (GRCh38, 1-based): chr1:179,564,689, C>T on the plus strand (G>A on the coding strand, the complement: NPHS2 is on the minus strand). VCF-style: chr1-179564689-C-T. GRCh37 (hg19) VCF-style: chr1-179533824-C-T.
Other names: c.378+1G>A (NM_001297575.2).
Identifiers: ClinVar variation 553168 (VCV000553168.11), dbSNP rs762631237, ClinGen allele CA1267245.

ClinVar aggregate classification (germline): Pathogenic/Likely pathogenic. Review status: criteria provided, multiple submitters, no conflicts (2 of 4 stars). 6 submissions from 6 submitters: Pathogenic (3); Likely pathogenic (2). 1 of the submissions does not count toward it. Last evaluated 2024-05-13.

Conditions:
Nephrotic syndrome, type 2 (NPHS2). Also called: NEPHROTIC SYNDROME, STEROID-RESISTANT, AUTOSOMAL RECESSIVE. Identifiers: Orphanet 656, MedGen C1868672, MONDO:0010974, OMIM 600995.
NPHS2-related disorder. Also called: NPHS2-related condition.

Allele frequency attached by ClinVar (database versions not stated): ExAC 0.00001; gnomAD exomes 0.00001.
gnomAD v4.1: 2 of 1,613,412 alleles (0.00012%); highest among the groups gnomAD compares: East Asian, 0.0022%; no homozygotes.

Submissions (6):

GeneDx
Classification: Likely pathogenic. Last evaluated: 2024-05-13. Review status: criteria provided, single submitter. Criteria: GeneDx Variant Classification Process June 2021. Collection method: clinical testing. Allele origin: germline. Affected: yes.
Comment: Canonical splice site variant predicted to result in a null allele in a gene for which loss of function is a known mechanism of disease; Not observed at significant frequency in large population cohorts (gnomAD); This variant is associated with the following publications: (PMID: 24227627, 18216321, 25349199)

Baylor Genetics
Classification: Pathogenic for Nephrotic syndrome, type 2. Last evaluated: 2024-02-12. Review status: criteria provided, single submitter. Criteria: ACMG Guidelines, 2015. Collection method: clinical testing. Allele origin: unknown.

Genome-Nilou Lab
Classification: Pathogenic for Nephrotic syndrome, type 2. Last evaluated: 2023-04-11. Review status: criteria provided, single submitter. Criteria: ACMG Guidelines, 2015. Collection method: clinical testing. Allele origin: germline. Affected: no.

Labcorp Genetics (formerly Invitae), Labcorp
Classification: Pathogenic. Last evaluated: 2022-09-03. Review status: criteria provided, single submitter. Criteria: Invitae Variant Classification Sherloc (09022015). Collection method: clinical testing. Allele origin: germline.
Comment: For these reasons, this variant has been classified as Pathogenic. Algorithms developed to predict the effect of sequence changes on RNA splicing suggest that this variant may disrupt the consensus splice site. ClinVar contains an entry for this variant (Variation ID: 553168). Disruption of this splice site has been observed in individuals with NPHS2-related conditions (PMID: 18216321, 25349199). This variant is present in population databases (rs762631237, gnomAD 0.006%). This sequence change affects a donor splice site in intron 2 of the NPHS2 gene. It is expected to disrupt RNA splicing. Variants that disrupt the donor or acceptor splice site typically lead to a loss of protein function (PMID: 16199547), and loss-of-function variants in NPHS2 are known to be pathogenic (PMID: 10742096, 14701729, 15253708, 23595123).

Blueprint Genetics
Classification: Likely pathogenic for NPHS2-related disorders. Last evaluated: 2019-11-19. Review status: criteria provided, single submitter. Criteria: ACMG Guidelines, 2015. Collection method: clinical testing. Allele origin: germline. Affected: yes. Observed: 1 variant allele.

Counsyl
Classification: Pathogenic for Nephrotic syndrome, type 2. Last evaluated: 2017-07-31. Review status: no assertion criteria provided. Collection method: clinical testing. Allele origin: unknown. Not counted in ClinVar's aggregate classification.

Literature cited by the submitters: PubMed 18216321 (cited by Labcorp Genetics (formerly Invitae), Labcorp and Counsyl); PubMed 25349199 (cited by Labcorp Genetics (formerly Invitae), Labcorp and Counsyl); PubMed 16199547 (cited by Labcorp Genetics (formerly Invitae), Labcorp); PubMed 10742096 (cited by Labcorp Genetics (formerly Invitae), Labcorp); PubMed 14701729 (cited by Labcorp Genetics (formerly Invitae), Labcorp); PubMed 15253708 (cited by Labcorp Genetics (formerly Invitae), Labcorp); PubMed 23595123 (cited by Labcorp Genetics (formerly Invitae), Labcorp).